The following is an entry in ClinVar:

ClinVar aggregate classification (germline): Uncertain significance (1 of 4 stars; one submission).

Conditions:
Cortical dysplasia-focal epilepsy syndrome (PTHSL1). Also called: Pitt-Hopkins-like syndrome 1. Identifiers: Orphanet 163681, Orphanet 221150, MedGen C2750246, MONDO:0012400, OMIM 610042.

Allele frequency attached by ClinVar (database versions not stated): TOPMed below 0.00001.

Submission:

Labcorp Genetics (formerly Invitae), Labcorp
Classification: Uncertain significance for Cortical dysplasia-focal epilepsy syndrome. Last evaluated: 2021-08-15. Review status: criteria provided, single submitter. Criteria: Invitae Variant Classification Sherloc (09022015). Collection method: clinical testing. Allele origin: germline.
Comment: In summary, the available evidence is currently insufficient to determine the role of this variant in disease. Therefore, it has been classified as a Variant of Uncertain Significance. Algorithms developed to predict the effect of missense changes on protein structure and function are either unavailable or do not agree on the potential impact of this missense change (SIFT: "Deleterious"; PolyPhen-2: "Benign"; Align-GVGD: "Class C35"). This variant has not been reported in the literature in individuals affected with CNTNAP2-related conditions. This variant is not present in population databases (ExAC no frequency). This sequence change replaces asparagine with lysine at codon 1296 of the CNTNAP2 protein (p.Asn1296Lys). The asparagine residue is highly conserved and there is a moderate physicochemical difference between asparagine and lysine.

NM_014141.6(CNTNAP2):c.3888C>G (p.Asn1296Lys)

Gene: CNTNAP2 (contactin associated protein 2; plus strand). Cytogenetic location: 7q36.1.
Variant type: single nucleotide variant.
Coding change: c.3888C>G on transcript NM_014141.6 (MANE Select); coding-DNA position 3888, C replaced by G.
Protein change: p.Asn1296Lys; replaces asparagine 1296 with lysine.
Molecular consequence: missense variant.
Genome position (GRCh38, 1-based): chr7:148,415,508, C>G. VCF-style: chr7-148415508-C-G. GRCh37 (hg19) VCF-style: chr7-148112600-C-G.
Other names: short protein forms N1296K.
Identifiers: ClinVar variation 1411433 (VCV001411433.6), dbSNP rs1460281368, ClinGen allele CA369706830.
Genomic context (GRCh38, chr7:148,415,508, plus strand): 5'-GTGCACCCTGGTCTTCCTGATCCGGTACATGTTCCGCCACAAGGGCACCTACCATACCAA[C>G]GAAGCAAAGGGGGCGGAGTCGGCAGAGAGCGCGGACGCCGCCATCATGAACAACGACCCC-3'
Protein context (NP_054860.1, residues 1286-1306): MFRHKGTYHT[Asn1296Lys]EAKGAESAES